The following is an entry in ClinVar:

NM_001458.5(FLNC):c.5165del (p.Gly1722fs)

Gene: FLNC (filamin C; plus strand). Cytogenetic location: 7q32.1.
Variant type: Deletion.
Coding change: c.5165del on transcript NM_001458.5 (MANE Select); coding-DNA position 5165, one base deleted (G; older notation c.5165delG).
Protein change: p.Gly1722fs; shifts the reading frame from glycine 1722.
Molecular consequence: frameshift variant.
Genome position (GRCh38, 1-based): chr7:128,849,544, G deleted; the last of 5 consecutive G bases (chr7:128,849,540-128,849,544); deleting any one gives the same sequence. VCF-style (leftmost placement, unchanged base first): chr7-128849539-CG-C. GRCh37 (hg19) VCF-style: chr7-128489593-CG-C.
Other names: c.5165del, p.Gly1722fs (NM_001127487.2); c.5165delG (NM_001458.4); short protein forms G1722fs.
Identifiers: ClinVar variation 539390 (VCV000539390.8), dbSNP rs1554400242, ClinGen allele CA658797011.
Genomic context (GRCh38, chr7:128,849,539, plus strand): 5'-TACCTTTGACATCTACTACACAGCGCCCGAGCCGGGCAAGTACGTCATCACCATCCGCTT[CG>C]GGGGTGAGCACATCCCCAACAGCCCCTTCCACGTGCTGGTAAGTTCTGTAGCCACAGCAA-3'

ClinVar aggregate classification (germline): Pathogenic/Likely pathogenic. Review status: criteria provided, multiple submitters, no conflicts (2 of 4 stars). 2 submissions from 2 submitters: Pathogenic (1); Likely pathogenic (1). Last evaluated 2023-09-01.

Conditions:
Distal myopathy with posterior leg and anterior hand involvement. Also called: WILLIAMS DISTAL MYOPATHY. Identifiers: Orphanet 63273, MedGen C3279722, MONDO:0013550, OMIM 614065.
Myofibrillar myopathy 5. Also called: Filaminopathy (type); FILAMINOPATHY, AUTOSOMAL DOMINANT. Identifiers: Orphanet 171445, MedGen C1836050, MONDO:0012289, OMIM 609524.
Hypertrophic cardiomyopathy 26. Also called: Cardiomyopathy, familial hypertrophic, 26. Identifiers: Orphanet 75249, MedGen C4310749, MONDO:0014883, OMIM 617047.

Submissions (2):

Labcorp Genetics (formerly Invitae), Labcorp
Classification: Pathogenic for Distal myopathy with posterior leg and anterior hand involvement; Myofibrillar myopathy 5; Hypertrophic cardiomyopathy 26. Last evaluated: 2023-09-01. Review status: criteria provided, single submitter. Criteria: Invitae Variant Classification Sherloc (09022015). Collection method: clinical testing. Allele origin: germline.
Comment: This sequence change creates a premature translational stop signal (p.Gly1722Valfs*61) in the FLNC gene. It is expected to result in an absent or disrupted protein product. Loss-of-function variants in FLNC are known to be pathogenic (PMID: 27908349). This variant is not present in population databases (gnomAD no frequency). This variant has not been reported in the literature in individuals affected with FLNC-related conditions. ClinVar contains an entry for this variant (Variation ID: 539390). Algorithms developed to predict the effect of sequence changes on RNA splicing suggest that this variant may create or strengthen a splice site. For these reasons, this variant has been classified as Pathogenic.

GeneDx
Classification: Likely pathogenic. Last evaluated: 2022-06-14. Review status: criteria provided, single submitter. Criteria: GeneDx Variant Classification Process June 2021. Collection method: clinical testing. Allele origin: germline. Affected: yes.
Comment: Identified in affected individuals from one family with distal myopathy who also harbored a variant in the OBSCN gene (Rossi et al., 2017); Frameshift variant predicted to result in protein truncation or nonsense mediated decay in a gene for which loss-of-function is a known mechanism of disease; Not observed in large population cohorts (gnomAD); This variant is associated with the following publications: (PMID: 29073160)

Literature cited by the submitters: PubMed 27908349 (cited by Labcorp Genetics (formerly Invitae), Labcorp).